The following is an entry in ClinVar:

NM_000057.4(BLM):c.704T>C (p.Val235Ala)

Gene: BLM (BLM RecQ like helicase; plus strand). Cytogenetic location: 15q26.1.
Variant type: single nucleotide variant.
Coding change: c.704T>C on transcript NM_000057.4 (MANE Select); coding-DNA position 704, T replaced by C.
Protein change: p.Val235Ala; replaces valine 235 with alanine.
Molecular consequence: missense variant. On other transcripts: 5 prime UTR variant (1).
Genome position (GRCh38, 1-based): chr15:90,749,972, T>C. VCF-style: chr15-90749972-T-C. GRCh37 (hg19) VCF-style: chr15-91293202-T-C.
Other names: c.704T>C, p.Val235Ala (NM_001287246.2, NM_001287247.2); c.-588T>C (NM_001287248.2); short protein forms V235A.
Identifiers: ClinVar variation 2586909 (VCV002586909.2), dbSNP rs2505394399, ClinGen allele CA393841381.

ClinVar aggregate classification (germline): Uncertain significance (1 of 4 stars; one submission).

Conditions:
Hereditary cancer-predisposing syndrome. Also called: Hereditary neoplastic syndrome; Tumor predisposition; Hereditary Cancer Syndrome; Neoplastic Syndromes, Hereditary. Identifiers: Orphanet 140162, MedGen C0027672, MeSH D009386, MONDO:0015356.

Submission:

Ambry Genetics
Classification: Uncertain significance for Hereditary cancer-predisposing syndrome. Last evaluated: 2023-09-10. Review status: criteria provided, single submitter. Criteria: Ambry Variant Classification Scheme 2023. Collection method: clinical testing. Allele origin: germline.
Comment: The p.V235A variant (also known as c.704T>C), located in coding exon 2 of the BLM gene, results from a T to C substitution at nucleotide position 704. The valine at codon 235 is replaced by alanine, an amino acid with similar properties. This amino acid position is conserved. In addition, this alteration is predicted to be tolerated by in silico analysis. Since supporting evidence is limited at this time, the clinical significance of this alteration remains unclear.